The following is an entry in ClinVar:

ClinVar aggregate classification (germline): Uncertain significance. Review status: criteria provided, multiple submitters, no conflicts (2 of 4 stars). 4 submissions from 4 submitters: Uncertain significance (4). Last evaluated 2025-12-19.

Conditions:
Colorectal cancer. Also called: Colorectal cancer, somatic; Malignant Colorectal Neoplasm. Identifiers: MedGen C0346629, MONDO:0005575, OMIM 114500.
Nonpapillary renal cell carcinoma. Identifiers: Orphanet 422526, MedGen CN074294, MONDO:0007763, OMIM 144700.
Familial spontaneous pneumothorax (PSP). Identifiers: Orphanet 2903, MedGen C1868193, MONDO:0008259, OMIM 173600.
Birt-Hogg-Dube syndrome 1 (BHD1). Also called: FIBROFOLLICULOMAS WITH TRICHODISCOMAS AND ACROCHORDONS. Identifiers: Orphanet 122, MedGen CN375946, MONDO:0800445, OMIM 135150.
Hereditary cancer-predisposing syndrome. Also called: Hereditary neoplastic syndrome; Neoplastic Syndromes, Hereditary; Tumor predisposition; Hereditary Cancer Syndrome. Identifiers: Orphanet 140162, MedGen C0027672, MeSH D009386, MONDO:0015356.
Birt-Hogg-Dube syndrome. Also called: Birt Hogg Dubé syndrome. Identifiers: Orphanet 122, MedGen C0346010, MONDO:0800444.

Submissions (4):

Labcorp Genetics (formerly Invitae), Labcorp
Classification: Uncertain significance for Birt-Hogg-Dube syndrome. Last evaluated: 2025-12-19. Review status: criteria provided, single submitter. Criteria: Invitae Variant Classification Sherloc (09022015). Collection method: clinical testing. Allele origin: germline.
Comment: This sequence change replaces threonine, which is neutral and polar, with serine, which is neutral and polar, at codon 102 of the FLCN protein (p.Thr102Ser). This variant is not present in population databases (gnomAD no frequency). This variant has not been reported in the literature in individuals affected with FLCN-related conditions. ClinVar contains an entry for this variant (Variation ID: 485608). Invitae Evidence Modeling of protein sequence and biophysical properties (such as structural, functional, and spatial information, amino acid conservation, physicochemical variation, residue mobility, and thermodynamic stability) indicates that this missense variant is not expected to disrupt FLCN protein function with a negative predictive value of 80%. In summary, the available evidence is currently insufficient to determine the role of this variant in disease. Therefore, it has been classified as a Variant of Uncertain Significance.

Ambry Genetics
Classification: Uncertain significance for Hereditary cancer-predisposing syndrome. Last evaluated: 2024-06-16. Review status: criteria provided, single submitter. Criteria: Ambry Variant Classification Scheme 2023. Collection method: clinical testing. Allele origin: germline.
Comment: The p.T102S variant (also known as c.304A>T), located in coding exon 2 of the FLCN gene, results from an A to T substitution at nucleotide position 304. The threonine at codon 102 is replaced by serine, an amino acid with similar properties. This variant was not reported in population based cohorts in the following databases: Database of Single Nucleotide Polymorphisms (dbSNP), NHLBI Exome Sequencing Project (ESP), and 1000 Genomes Project. In the ESP, this variant was not observed in 6503 samples (13006 alleles) with coverage at this position. To date, this alteration has been detected with an allele frequency of approximately 0.01% (greater than 10000 alleles tested) in our clinical cohort. This amino acid position is highly conserved in available vertebrate species. In addition, the in silico prediction for this alteration is inconclusive. Since supporting evidence is limited at this time, the clinical significance of this alteration remains unclear.

Fulgent Genetics
Classification: Uncertain significance for Colorectal cancer; Birt-Hogg-Dube syndrome 1; Nonpapillary renal cell carcinoma; Familial spontaneous pneumothorax. Last evaluated: 2024-02-21. Review status: criteria provided, single submitter. Criteria: ACMG Guidelines, 2015. Collection method: clinical testing. Allele origin: germline.

Baylor Genetics
Classification: Uncertain significance for Birt-Hogg-Dube syndrome 1. Last evaluated: 2023-10-20. Review status: criteria provided, single submitter. Criteria: ACMG Guidelines, 2015. Collection method: clinical testing. Allele origin: unknown.

NM_144997.7(FLCN):c.304A>T (p.Thr102Ser)

Gene: FLCN (folliculin; minus strand). Cytogenetic location: 17p11.2.
Variant type: single nucleotide variant.
Coding change: c.304A>T on transcript NM_144997.7 (MANE Select); coding-DNA position 304, A replaced by T.
Protein change: p.Thr102Ser; replaces threonine 102 with serine.
Molecular consequence: missense variant.
Genome position (GRCh38, 1-based): chr17:17,226,268, T>A on the plus strand (A>T on the coding strand, the complement: FLCN is on the minus strand). VCF-style: chr17-17226268-T-A. GRCh37 (hg19) VCF-style: chr17-17129582-T-A.
Other names: c.304A>T (LRG_325t1); c.304A>T, p.Thr102Ser (NM_001353229.2, NM_001353230.2, NM_001353231.2 and 1 more transcripts); short protein forms T102S.
Identifiers: ClinVar variation 485608 (VCV000485608.13), dbSNP rs1555610938, ClinGen allele CA398534881.
Genomic context (GRCh38, chr17:17,226,268, plus strand): 5'-GGACAATGCTGAAGAGCTGGGGGTGGCTGGGGTGCTGGTGGCTGACGTATTTAATGGAGG[T>A]CTCTTTATCATGGCTGATATATCCCGGGTGCCCTGCAGCAAGTGACCGGCAGCCCTGTCC-3'
Protein context (NP_659434.2, residues 92-112): HPGYISHDKE[Thr102Ser]SIKYVSHQHP